The following is an entry in ClinVar:

NM_001174147.2(LMX1B):c.914T>C (p.Met305Thr)

Gene: LMX1B (LIM homeobox transcription factor 1 beta; plus strand). Cytogenetic location: 9q33.3.
Variant type: single nucleotide variant.
Coding change: c.914T>C on transcript NM_001174147.2 (MANE Select); coding-DNA position 914, T replaced by C.
Protein change: p.Met305Thr; replaces methionine 305 with threonine.
Molecular consequence: missense variant.
Genome position (GRCh38, 1-based): chr9:126,695,866, T>C. VCF-style: chr9-126695866-T-C. GRCh37 (hg19) VCF-style: chr9-129458145-T-C.
Other names: c.947T>C, p.Met316Thr (NM_001174146.2); c.914T>C, p.Met305Thr (NM_002316.4); short protein forms M305T, M316T.
Identifiers: ClinVar variation 2092667 (VCV002092667.4), dbSNP rs766873884, ClinGen allele CA5242483.

ClinVar aggregate classification (germline): Uncertain significance (1 of 4 stars; one submission).

Allele frequency attached by ClinVar (database versions not stated): gnomAD exomes below 0.00001; ExAC 0.00001.
gnomAD v4.1: 5 of 1,613,076 alleles (0.00031%); highest among the groups gnomAD compares: Non-Finnish European, 0.00042%; no homozygotes.

Submission:

Labcorp Genetics (formerly Invitae), Labcorp
Classification: Uncertain significance. Last evaluated: 2022-09-23. Review status: criteria provided, single submitter. Criteria: Invitae Variant Classification Sherloc (09022015). Collection method: clinical testing. Allele origin: germline.
Comment: In summary, the available evidence is currently insufficient to determine the role of this variant in disease. Therefore, it has been classified as a Variant of Uncertain Significance. Advanced modeling of protein sequence and biophysical properties (such as structural, functional, and spatial information, amino acid conservation, physicochemical variation, residue mobility, and thermodynamic stability) performed at Invitae indicates that this missense variant is not expected to disrupt LMX1B protein function. This variant has not been reported in the literature in individuals affected with LMX1B-related conditions. This variant is present in population databases (rs766873884, gnomAD 0.0009%). This sequence change replaces methionine, which is neutral and non-polar, with threonine, which is neutral and polar, at codon 305 of the LMX1B protein (p.Met305Thr).